The following is an entry in ClinVar:

NM_005228.5(EGFR):c.3091C>T (p.Arg1031Trp)

Gene: EGFR (epidermal growth factor receptor; plus strand). Cytogenetic location: 7p11.2.
Variant type: single nucleotide variant.
Coding change: c.3091C>T on transcript NM_005228.5 (MANE Select); coding-DNA position 3091, C replaced by T.
Protein change: p.Arg1031Trp; replaces arginine 1031 with tryptophan.
Molecular consequence: missense variant.
Genome position (GRCh38, 1-based): chr7:55,201,332, C>T. VCF-style: chr7-55201332-C-T. GRCh37 (hg19) VCF-style: chr7-55269025-C-T.
Other names: c.2956C>T, p.Arg986Trp (NM_001346897.2, NM_001346899.2); c.3091C>T, p.Arg1031Trp (NM_001346898.2); c.2932C>T, p.Arg978Trp (NM_001346900.2); c.2290C>T, p.Arg764Trp (NM_001346941.2); short protein forms R978W, R764W, R986W, R1031W.
Identifiers: ClinVar variation 1440325 (VCV001440325.6), dbSNP rs1490923813, ClinGen allele CA367582732.

ClinVar aggregate classification (germline): Uncertain significance (1 of 4 stars; one submission).

Conditions:
EGFR-related lung cancer (EGFR). Identifiers: MedGen CN130014.

Allele frequency attached by ClinVar (database versions not stated): gnomAD exomes below 0.00001.
gnomAD v4.1: 3 of 1,614,176 alleles (0.00019%); highest among the groups gnomAD compares: South Asian, 0.0011%; no homozygotes.

Submission:

Labcorp Genetics (formerly Invitae), Labcorp
Classification: Uncertain significance for EGFR-related lung cancer. Last evaluated: 2025-08-29. Review status: criteria provided, single submitter. Criteria: Invitae Variant Classification Sherloc (09022015). Collection method: clinical testing. Allele origin: germline.
Comment: This sequence change replaces arginine, which is basic and polar, with tryptophan, which is neutral and slightly polar, at codon 1031 of the EGFR protein (p.Arg1031Trp). This variant is present in population databases (no rsID available, gnomAD 0.003%). This variant has not been reported in the literature in individuals affected with EGFR-related conditions. ClinVar contains an entry for this variant (Variation ID: 1440325). An algorithm developed to predict the effect of missense changes on protein structure and function (PolyPhen-2) suggests that this variant is likely to be disruptive. In summary, the available evidence is currently insufficient to determine the role of this variant in disease. Therefore, it has been classified as a Variant of Uncertain Significance.